The following is an entry in ClinVar:

ClinVar aggregate classification (germline): Uncertain significance (1 of 4 stars; one submission).

Conditions:
Atrial fibrillation, familial, 6 (ATFB6). Identifiers: MedGen C2677294, MONDO:0012816, OMIM 612201.

Allele frequency attached by ClinVar (database versions not stated): gnomAD exomes 0.00001.
gnomAD v4.1: 3 of 1,613,724 alleles (0.00019%); highest among the groups gnomAD compares: Non-Finnish European, 0.00017%; no homozygotes.

Submission:

Labcorp Genetics (formerly Invitae), Labcorp
Classification: Uncertain significance for Atrial fibrillation, familial, 6. Last evaluated: 2022-04-14. Review status: criteria provided, single submitter. Criteria: Invitae Variant Classification Sherloc (09022015). Collection method: clinical testing. Allele origin: germline.
Comment: In summary, the available evidence is currently insufficient to determine the role of this variant in disease. Therefore, it has been classified as a Variant of Uncertain Significance. This variant has not been reported in the literature in individuals affected with NPPA-related conditions. This variant is not present in population databases (gnomAD no frequency). This sequence change creates a premature translational stop signal (p.Trp102*) in the NPPA gene. It is expected to result in an absent or disrupted protein product. However, the current clinical and genetic evidence is not sufficient to establish whether loss-of-function variants in NPPA cause disease.

NM_006172.4(NPPA):c.305G>A (p.Trp102Ter)

Genes: NPPA (natriuretic peptide A; minus strand), NPPA-AS1 (NPPA antisense RNA 1; plus strand), LOC114827827 (VISTA enhancer hs2123; plus strand). Cytogenetic location: 1p36.22.
Variant type: single nucleotide variant.
Coding change: c.305G>A on transcript NM_006172.4 (MANE Select); coding-DNA position 305, G replaced by A.
Protein change: p.Trp102Ter; replaces tryptophan 102 with a stop codon.
Molecular consequence: nonsense.
Genome position (GRCh38, 1-based): chr1:11,847,258, C>T on the plus strand (G>A on the coding strand, the complement: NPPA is on the minus strand). VCF-style: chr1-11847258-C-T. GRCh37 (hg19) VCF-style: chr1-11907315-C-T.
Other names: short protein forms W102*.
Identifiers: ClinVar variation 2115940 (VCV002115940.4), dbSNP rs1570552225, ClinGen allele CA338450102.